The following is an entry in ClinVar:

ClinVar aggregate classification (germline): Uncertain significance (1 of 4 stars; one submission).

Conditions:
TP63-Related Spectrum Disorders.

Submission:

Labcorp Genetics (formerly Invitae), Labcorp
Classification: Uncertain significance. Last evaluated: 2024-06-30. Review status: criteria provided, single submitter. Criteria: Invitae Variant Classification Sherloc (09022015). Collection method: clinical testing. Allele origin: germline.
Comment: This sequence change replaces asparagine, which is neutral and polar, with lysine, which is basic and polar, at codon 141 of the TP63 protein (p.Asn141Lys). This variant is not present in population databases (gnomAD no frequency). This variant has not been reported in the literature in individuals affected with TP63-related conditions. Advanced modeling of protein sequence and biophysical properties (such as structural, functional, and spatial information, amino acid conservation, physicochemical variation, residue mobility, and thermodynamic stability) has been performed at Invitae for this missense variant, however the output from this modeling did not meet the statistical confidence thresholds required to predict the impact of this variant on TP63 protein function. In summary, the available evidence is currently insufficient to determine the role of this variant in disease. Therefore, it has been classified as a Variant of Uncertain Significance.

NM_003722.5(TP63):c.423C>A (p.Asn141Lys)

Gene: TP63 (tumor protein p63; plus strand). Cytogenetic location: 3q28.
Variant type: single nucleotide variant.
Coding change: c.423C>A on transcript NM_003722.5 (MANE Select); coding-DNA position 423, C replaced by A.
Protein change: p.Asn141Lys; replaces asparagine 141 with lysine.
Molecular consequence: missense variant. On other transcripts: intron variant (2).
Genome position (GRCh38, 1-based): chr3:189,808,370, C>A. VCF-style: chr3-189808370-C-A. GRCh37 (hg19) VCF-style: chr3-189526159-C-A.
Other names: c.423C>A, p.Asn141Lys (NM_001114978.2, NM_001114979.2, NM_001329144.2 and 1 more transcripts); c.141C>A, p.Asn47Lys (NM_001114980.2, NM_001114981.2, NM_001114982.2 and 2 more transcripts); c.417C>A, p.Asn139Lys (NM_001329964.2); c.42+18528C>A (NM_001329146.2, NM_001329150.2); short protein forms N47K, N141K, N139K.
Identifiers: ClinVar variation 3693039 (VCV003693039.1).
Genomic context (GRCh38, chr3:189,808,370, plus strand): 5'-CCAGCAGATTCAGAACGGCTCCTCGTCCACCAGTCCCTATAACACAGACCACGCGCAGAA[C>A]AGCGTCACGGCGCCCTCGCCCTACGCACAGCCCAGCTCCACCTTCGATGCTCTCTCTCCA-3'
Protein context (NP_003713.3, residues 131-151): TSPYNTDHAQ[Asn141Lys]SVTAPSPYAQ